The following is an entry in ClinVar:

NM_130839.5(UBE3A):c.554A>G (p.Lys185Arg)

Genes: SNHG14 (small nucleolar RNA host gene 14; plus strand), UBE3A (ubiquitin protein ligase E3A; minus strand). Cytogenetic location: 15q11.2.
Variant type: single nucleotide variant.
Coding change: c.554A>G on transcript NM_130839.5 (MANE Select); coding-DNA position 554, A replaced by G.
Protein change: p.Lys185Arg; replaces lysine 185 with arginine.
Molecular consequence: missense variant. On other transcripts: non-coding transcript variant (1), intron variant (2).
Genome position (GRCh38, 1-based): chr15:25,371,620, T>C on the plus strand (A>G on the coding strand, the complement: UBE3A is on the minus strand). VCF-style: chr15-25371620-T-C. GRCh37 (hg19) VCF-style: chr15-25616767-T-C.
Other names: c.494A>G, p.Lys165Arg (NM_001354541.2, NM_001354542.2, NM_001354543.2 and 17 more transcripts); c.554A>G, p.Lys185Arg (NM_001354545.2, NM_001354505.1, NM_001354538.2); c.377A>G, p.Lys126Arg (NM_001354546.2); c.563A>G, p.Lys188Arg (NM_000462.5); c.301+3845A>G (NM_001354551.2); c.361+3845A>G (NM_001354550.2); short protein forms K126R, K165R, K185R, K188R.
Identifiers: ClinVar variation 4802380 (VCV004802380.1).

ClinVar aggregate classification (germline): Uncertain significance (1 of 4 stars; one submission).

Conditions:
Angelman syndrome (AS). Also called: HAPPY PUPPET SYNDROME. Identifiers: Orphanet 72, MedGen C0162635, MONDO:0007113, OMIM 105830. Disease mechanism: loss of function. Inheritance: imprinting disorder, AS is caused by disruption of maternally imprinted UBE3A located within the 15q11.2-q13 Angelman syndrome/Prader-Willi syndrome (AS/PWS) region..

gnomAD v4.1: 1 of 1,614,130 alleles (0.000062%); highest among the groups gnomAD compares: East Asian, 0.0022%; no homozygotes.

Submission:

Labcorp Genetics (formerly Invitae), Labcorp
Classification: Uncertain significance for Angelman syndrome. Last evaluated: 2025-02-27. Review status: criteria provided, single submitter. Criteria: Invitae Variant Classification Sherloc (09022015). Collection method: clinical testing. Allele origin: germline.
Comment: This sequence change replaces lysine, which is basic and polar, with arginine, which is basic and polar, at codon 165 of the UBE3A protein (p.Lys165Arg). This variant is not present in population databases (gnomAD no frequency). This variant has not been reported in the literature in individuals affected with UBE3A-related conditions. Invitae Evidence Modeling of protein sequence and biophysical properties (such as structural, functional, and spatial information, amino acid conservation, physicochemical variation, residue mobility, and thermodynamic stability) has been performed for this missense variant. However, the output from this modeling did not meet the statistical confidence thresholds required to predict the impact of this variant on UBE3A protein function. In summary, the available evidence is currently insufficient to determine the role of this variant in disease. Therefore, it has been classified as a Variant of Uncertain Significance.